The following is an entry in ClinVar:

ClinVar aggregate classification (germline): Uncertain significance (1 of 4 stars; one submission).

Conditions:
Gamma-aminobutyric acid transaminase deficiency (GABATD). Also called: GABA transaminase deficiency; Gamma aminobutyrate transaminase deficiency; 4 alpha aminobutyrate transaminase deficiency; GABA aminotransaminase deficiency. Identifiers: Orphanet 2066, MedGen C0342708, MONDO:0013166, OMIM 613163.

Allele frequency attached by ClinVar (database versions not stated): gnomAD exomes below 0.00001 and 0.00002; ExAC 0.00002; gnomAD 0.00003 and 0.00004; TOPMed 0.00003; ESP Exome Variant Server 0.00008.

Submission:

Labcorp Genetics (formerly Invitae), Labcorp
Classification: Uncertain significance for Gamma-aminobutyric acid transaminase deficiency. Last evaluated: 2022-06-13. Review status: criteria provided, single submitter. Criteria: Invitae Variant Classification Sherloc (09022015). Collection method: clinical testing. Allele origin: germline.
Comment: In summary, the available evidence is currently insufficient to determine the role of this variant in disease. Therefore, it has been classified as a Variant of Uncertain Significance. Algorithms developed to predict the effect of missense changes on protein structure and function output the following: SIFT: "Deleterious"; PolyPhen-2: "Benign"; Align-GVGD: "Class C0". The valine amino acid residue is found in multiple mammalian species, which suggests that this missense change does not adversely affect protein function. This variant has not been reported in the literature in individuals affected with ABAT-related conditions. This variant is present in population databases (rs370414705, gnomAD 0.02%). This sequence change replaces methionine, which is neutral and non-polar, with valine, which is neutral and non-polar, at codon 124 of the ABAT protein (p.Met124Val).

NM_020686.6(ABAT):c.370A>G (p.Met124Val)

Gene: ABAT (4-aminobutyrate aminotransferase; plus strand). Cytogenetic location: 16p13.2.
Variant type: single nucleotide variant.
Coding change: c.370A>G on transcript NM_020686.6 (MANE Select); coding-DNA position 370, A replaced by G.
Protein change: p.Met124Val; replaces methionine 124 with valine.
Molecular consequence: missense variant.
Genome position (GRCh38, 1-based): chr16:8,764,072, A>G. VCF-style: chr16-8764072-A-G. GRCh37 (hg19) VCF-style: chr16-8857929-A-G.
Other names: c.370A>G, p.Met124Val (NM_000663.5, NM_001127448.2, NM_001386600.1 and 10 more transcripts); c.235A>G, p.Met79Val (NM_001386610.1, NM_001386611.1, NM_001386612.1 and 1 more transcripts); c.124A>G, p.Met42Val (NM_001386614.1); c.466A>G, p.Met156Val (NM_001386615.1); short protein forms M156V, M42V, M124V, M79V.
Identifiers: ClinVar variation 1416077 (VCV001416077.4), dbSNP rs370414705, ClinGen allele CA7893100.